The following is an entry in ClinVar:

ClinVar aggregate classification (germline): Uncertain significance. Review status: criteria provided, multiple submitters, no conflicts (2 of 4 stars). 3 submissions from 3 submitters: Uncertain significance (2). 1 of the submissions does not count toward it. Last evaluated 2023-12-17.

Allele frequency attached by ClinVar (database versions not stated): gnomAD exomes below 0.00001; gnomAD 0.00001; TOPMed 0.00001.
gnomAD v4.1: 4 of 1,613,816 alleles (0.00025%); highest among the groups gnomAD compares: Non-Finnish European, 0.00034%; no homozygotes.

Submissions (3):

Labcorp Genetics (formerly Invitae), Labcorp
Classification: Uncertain significance. Last evaluated: 2023-12-17. Review status: criteria provided, single submitter. Criteria: Invitae Variant Classification Sherloc (09022015). Collection method: clinical testing. Allele origin: germline.
Comment: This sequence change replaces methionine, which is neutral and non-polar, with threonine, which is neutral and polar, at codon 202 of the CTNNB1 protein (p.Met202Thr). This variant is present in population databases (rs587778222, gnomAD 0.002%). This variant has not been reported in the literature in individuals affected with CTNNB1-related conditions. ClinVar contains an entry for this variant (Variation ID: 133953). Advanced modeling of protein sequence and biophysical properties (such as structural, functional, and spatial information, amino acid conservation, physicochemical variation, residue mobility, and thermodynamic stability) has been performed at Invitae for this missense variant, however the output from this modeling did not meet the statistical confidence thresholds required to predict the impact of this variant on CTNNB1 protein function. In summary, the available evidence is currently insufficient to determine the role of this variant in disease. Therefore, it has been classified as a Variant of Uncertain Significance.

Blueprint Genetics
Classification: Uncertain significance. Last evaluated: 2020-12-31. Review status: criteria provided, single submitter. Criteria: ACMG Guidelines, 2015. Collection method: clinical testing. Allele origin: germline.

ITMI
No classification provided. Condition: AllHighlyPenetrant. Last evaluated: 2013-09-19. Review status: no classification provided. Collection method: reference population. Allele origin: germline. Not counted in ClinVar's aggregate classification.
Comment: Please see associated publication for description of ethnicities

Literature cited by the submitters: PubMed 24728327 (cited by ITMI).

NM_001904.4(CTNNB1):c.605T>C (p.Met202Thr)

Genes: CTNNB1 (catenin beta 1; plus strand), LOC126806658 (BRD4-independent group 4 enhancer GRCh37_chr3:41265899-41267098; plus strand). Cytogenetic location: 3p22.1.
Variant type: single nucleotide variant.
Coding change: c.605T>C on transcript NM_001904.4 (MANE Select); coding-DNA position 605, T replaced by C.
Protein change: p.Met202Thr; replaces methionine 202 with threonine.
Molecular consequence: missense variant.
Genome position (GRCh38, 1-based): chr3:41,225,443, T>C. VCF-style: chr3-41225443-T-C. GRCh37 (hg19) VCF-style: chr3-41266934-T-C.
Other names: c.605T>C, p.Met202Thr (NM_001098209.2, NM_001098210.2); c.584T>C, p.Met195Thr (NM_001330729.2); short protein forms M202T, M195T.
Identifiers: ClinVar variation 133953 (VCV000133953.8), dbSNP rs587778222, ClinGen allele CA158230.